The following is an entry in ClinVar:

NM_001134363.3(RBM20):c.2936A>G (p.Lys979Arg)

Gene: RBM20 (RNA binding motif protein 20; plus strand). Cytogenetic location: 10q25.2.
Variant type: single nucleotide variant.
Coding change: c.2936A>G on transcript NM_001134363.3 (MANE Select); coding-DNA position 2936, A replaced by G.
Protein change: p.Lys979Arg; replaces lysine 979 with arginine.
Molecular consequence: missense variant.
Genome position (GRCh38, 1-based): chr10:110,821,555, A>G. VCF-style: chr10-110821555-A-G. GRCh37 (hg19) VCF-style: chr10-112581313-A-G.
Other names: short protein forms K979R.
Identifiers: ClinVar variation 942372 (VCV000942372.10), dbSNP rs1844910226, ClinGen allele CA378378501.

ClinVar aggregate classification (germline): Uncertain significance. Review status: criteria provided, multiple submitters, no conflicts (2 of 4 stars). 2 submissions from 2 submitters: Uncertain significance (2). Last evaluated 2025-07-29.

Conditions:
Dilated cardiomyopathy 1DD (CMD1DD). Identifiers: Orphanet 154, MedGen C2750995, MONDO:0013168, OMIM 613172.

Allele frequency attached by ClinVar (database versions not stated): gnomAD exomes below 0.00001.
gnomAD v4.1: 6 of 1,551,422 alleles (0.00039%); highest among the groups gnomAD compares: South Asian, 0.0012%; no homozygotes.

Submissions (2):

Labcorp Genetics (formerly Invitae), Labcorp
Classification: Uncertain significance for Dilated cardiomyopathy 1DD. Last evaluated: 2025-07-29. Review status: criteria provided, single submitter. Criteria: Invitae Variant Classification Sherloc (09022015). Collection method: clinical testing. Allele origin: germline.
Comment: This sequence change replaces lysine, which is basic and polar, with arginine, which is basic and polar, at codon 979 of the RBM20 protein (p.Lys979Arg). This variant is not present in population databases (gnomAD no frequency). This variant has not been reported in the literature in individuals affected with RBM20-related conditions. ClinVar contains an entry for this variant (Variation ID: 942372). Invitae Evidence Modeling of protein sequence and biophysical properties (such as structural, functional, and spatial information, amino acid conservation, physicochemical variation, residue mobility, and thermodynamic stability) indicates that this missense variant is not expected to disrupt RBM20 protein function with a negative predictive value of 95%. In summary, the available evidence is currently insufficient to determine the role of this variant in disease. Therefore, it has been classified as a Variant of Uncertain Significance.

Blueprint Genetics
Classification: Uncertain significance. Last evaluated: 2023-03-30. Review status: criteria provided, single submitter. Criteria: ACMG Guidelines, 2015. Collection method: clinical testing. Allele origin: germline.